The following is an entry in ClinVar:

NM_004208.4(AIFM1):c.1156G>A (p.Gly386Ser)

Genes: AIFM1 (apoptosis inducing factor mitochondria associated 1; minus strand), RAB33A (RAB33A, member RAS oncogene family; plus strand). Cytogenetic location: Xq26.1.
Variant type: single nucleotide variant.
Coding change: c.1156G>A on transcript NM_004208.4 (MANE Select); coding-DNA position 1156, G replaced by A.
Protein change: p.Gly386Ser; replaces glycine 386 with serine.
Molecular consequence: missense variant. On other transcripts: 3 prime UTR variant (1), non-coding transcript variant (1).
Genome position (GRCh38, 1-based): chrX:130,136,651, C>T on the plus strand (G>A on the coding strand, the complement: AIFM1 is on the minus strand). VCF-style: chrX-130136651-C-T. GRCh37 (hg19) VCF-style: chrX-129270626-C-T.
Other names: c.139G>A, p.Gly47Ser (NM_001130846.4); c.*384G>A (NM_001130847.4); c.1144G>A, p.Gly382Ser (NM_145812.3); short protein forms G382S, G386S, G47S.
Identifiers: ClinVar variation 1302559 (VCV001302559.8), dbSNP rs746155778, ClinGen allele CA10515323.

ClinVar aggregate classification (germline): Uncertain significance. Review status: criteria provided, multiple submitters, no conflicts (2 of 4 stars). 3 submissions from 3 submitters: Uncertain significance (3). Last evaluated 2025-05-14.

Conditions:
Charcot-Marie-Tooth Neuropathy X. Identifiers: MedGen CN118851.
Combined oxidative phosphorylation deficiency. Identifiers: MedGen C4540031, MONDO:0000732.
Inborn genetic diseases. Identifiers: MedGen C0950123, MeSH D030342.

Allele frequency attached by ClinVar (database versions not stated): ExAC 0.00003; gnomAD 0.00005; TOPMed 0.00004; gnomAD exomes 0.00002 and 0.00005.
gnomAD v4.1: 58 of 1,207,305 alleles (0.0048%); highest among the groups gnomAD compares: Non-Finnish European, 0.0062%; no homozygotes.

Submissions (3):

Labcorp Genetics (formerly Invitae), Labcorp
Classification: Uncertain significance for Charcot-Marie-Tooth Neuropathy X; Combined oxidative phosphorylation deficiency. Last evaluated: 2025-05-14. Review status: criteria provided, single submitter. Criteria: Invitae Variant Classification Sherloc (09022015). Collection method: clinical testing. Allele origin: germline.
Comment: This sequence change replaces glycine, which is neutral and non-polar, with serine, which is neutral and polar, at codon 386 of the AIFM1 protein (p.Gly386Ser). This variant is present in population databases (rs746155778, gnomAD 0.005%). This variant has not been reported in the literature in individuals affected with AIFM1-related conditions. ClinVar contains an entry for this variant (Variation ID: 1302559). Invitae Evidence Modeling of protein sequence and biophysical properties (such as structural, functional, and spatial information, amino acid conservation, physicochemical variation, residue mobility, and thermodynamic stability) indicates that this missense variant is expected to disrupt AIFM1 protein function with a positive predictive value of 80%. In summary, the available evidence is currently insufficient to determine the role of this variant in disease. Therefore, it has been classified as a Variant of Uncertain Significance.

GeneDx
Classification: Uncertain significance. Last evaluated: 2024-03-01. Review status: criteria provided, single submitter. Criteria: GeneDx Variant Classification Process June 2021. Collection method: clinical testing. Allele origin: germline. Affected: yes.
Comment: Has not been previously published as pathogenic or benign to our knowledge; In silico analysis supports that this missense variant has a deleterious effect on protein structure/function

Ambry Genetics
Classification: Uncertain significance for Inborn genetic diseases. Last evaluated: 2022-12-19. Review status: criteria provided, single submitter. Criteria: Ambry Variant Classification Scheme 2023. Collection method: clinical testing. Allele origin: germline.